The following is an entry in ClinVar:

ClinVar aggregate classification (germline): Uncertain significance. Review status: criteria provided, multiple submitters, no conflicts (2 of 4 stars). 2 submissions from 2 submitters: Uncertain significance (2). Last evaluated 2021-04-28.

Conditions:
Dilated cardiomyopathy 1W (CMD1W). Identifiers: Orphanet 154, MedGen C1969639, MONDO:0012667, OMIM 611407.

Submissions (2):

Labcorp Genetics (formerly Invitae), Labcorp
Classification: Uncertain significance for Dilated cardiomyopathy 1W. Last evaluated: 2021-04-28. Review status: criteria provided, single submitter. Criteria: Invitae Variant Classification Sherloc (09022015). Collection method: clinical testing. Allele origin: germline.
Comment: The frequency data for this variant in the population databases is considered unreliable, as metrics indicate insufficient coverage at this position in the ExAC database. This variant has not been reported in the literature in individuals with VCL-related conditions. ClinVar contains an entry for this variant (Variation ID: 633014). Algorithms developed to predict the effect of missense changes on protein structure and function are either unavailable or do not agree on the potential impact of this missense change (SIFT: "Not Available"; PolyPhen-2: "Probably Damaging"; Align-GVGD: "Not Available"). In summary, the available evidence is currently insufficient to determine the role of this variant in disease. Therefore, it has been classified as a Variant of Uncertain Significance. This sequence change replaces valine with phenylalanine at codon 51 of the VCL protein (p.Val51Phe). The valine residue is highly conserved and there is a small physicochemical difference between valine and phenylalanine.

Women's Health and Genetics/Laboratory Corporation of America, LabCorp
Classification: Uncertain significance. Last evaluated: 2018-12-03. Review status: criteria provided, single submitter. Criteria: LabCorp Variant Classification Summary - May 2015. Collection method: clinical testing. Allele origin: germline.
Comment: Variant summary: VCL c.151G>T (p.Val51Phe) results in a non-conservative amino acid change in the encoded protein sequence. Four of five in-silico tools predict a damaging effect of the variant on protein function. The variant was absent in 140726 control chromosomes. The available data on variant occurrences in the general population are insufficient to allow any conclusion about variant significance. To our knowledge, no occurrence of c.151G>T in individuals affected with Cardiomyopathy and no experimental evidence demonstrating its impact on protein function have been reported. No clinical diagnostic laboratories have submitted clinical-significance assessments for this variant to ClinVar after 2014. Based on the evidence outlined above, the variant was classified as uncertain significance.

NM_014000.3(VCL):c.151G>T (p.Val51Phe)

Gene: VCL (vinculin; plus strand). Cytogenetic location: 10q22.2.
Variant type: single nucleotide variant.
Coding change: c.151G>T on transcript NM_014000.3 (MANE Select); coding-DNA position 151, G replaced by T.
Protein change: p.Val51Phe; replaces valine 51 with phenylalanine.
Molecular consequence: missense variant.
Genome position (GRCh38, 1-based): chr10:73,998,358, G>T. VCF-style: chr10-73998358-G-T. GRCh37 (hg19) VCF-style: chr10-75758116-G-T.
Other names: c.151G>T, p.Val51Phe (NM_003373.4); short protein forms V51F.
Identifiers: ClinVar variation 633014 (VCV000633014.7), dbSNP rs1565628951, ClinGen allele CA377255463.
Genomic context (GRCh38, chr10:73,998,358, plus strand): 5'-GAGGTGGACGGCAAAGCCATTCCTGACCTCACCGCGCCCGTGGCCGCCGTGCAGGCGGCC[G>T]TCAGCAACCTCGTCCGGGTGAGCGCGCAGGGCCTGGCGCGGGAGCGGGCGCGGGAGGTAT-3'
Protein context (NP_054706.1, residues 41-61): TAPVAAVQAA[Val51Phe]SNLVRVGKET